The following is an entry in ClinVar:

NM_000883.4(IMPDH1):c.-3C>T

Genes: IMPDH1 (inosine monophosphate dehydrogenase 1; minus strand), LOC129999258 (ATAC-STARR-seq lymphoblastoid silent region 18606; plus strand). Cytogenetic location: 7q32.1.
Variant type: single nucleotide variant.
Coding change: c.-3C>T on transcript NM_000883.4 (MANE Select); 3 bases upstream of the start codon, C replaced by T.
Molecular consequence: 5 prime UTR variant.
Genome position (GRCh38, 1-based): chr7:128,409,904, G>A on the plus strand (C>T on the coding strand, the complement: IMPDH1 is on the minus strand). VCF-style: chr7-128409904-G-A. GRCh37 (hg19) VCF-style: chr7-128049958-G-A.
Other names: c.-3C>T (NM_001102605.2, NM_001142576.2, NM_001304521.2 and 1 more transcripts).
Identifiers: ClinVar variation 4823664 (VCV004823664.4).

ClinVar aggregate classification (germline): Likely benign (1 of 4 stars; one submission).

gnomAD v4.1: 10 of 1,409,412 alleles (0.00071%); highest among the groups gnomAD compares: Non-Finnish European, 0.00092%; no homozygotes.

Submission:

CeGaT Center for Human Genetics Tuebingen
Classification: Likely benign. Last evaluated: 2026-03-01. Review status: criteria provided, single submitter. Criteria: CeGaT Center For Human Genetics Tuebingen Variant Classification Criteria Version 2. Collection method: clinical testing. Allele origin: germline. Affected: yes. Observed: 1 variant allele.
Comment: IMPDH1: BP4